The following is an entry in ClinVar:

NM_001318852.2(MAPK8IP3):c.563G>C (p.Gly188Ala)

Gene: MAPK8IP3 (mitogen-activated protein kinase 8 interacting protein 3; plus strand). Cytogenetic location: 16p13.3.
Variant type: single nucleotide variant.
Coding change: c.563G>C on transcript NM_001318852.2 (MANE Select); coding-DNA position 563, G replaced by C.
Protein change: p.Gly188Ala; replaces glycine 188 with alanine.
Molecular consequence: missense variant.
Genome position (GRCh38, 1-based): chr16:1,729,539, G>C. VCF-style: chr16-1729539-G-C. GRCh37 (hg19) VCF-style: chr16-1779540-G-C.
Other names: c.563G>C, p.Gly188Ala (NM_001040439.2, NM_015133.5, NM_033392.3); short protein forms G188A.
Identifiers: ClinVar variation 2392180 (VCV002392180.2), dbSNP rs781573127, ClinGen allele CA7816373.

ClinVar aggregate classification (germline): Uncertain significance (1 of 4 stars; one submission).

Conditions:
Inborn genetic diseases. Identifiers: MedGen C0950123, MeSH D030342.

Allele frequency attached by ClinVar (database versions not stated): gnomAD 0.00002; ExAC 0.00004; TOPMed 0.00005.
gnomAD v4.1: 60 of 1,612,026 alleles (0.0037%); highest among the groups gnomAD compares: Non-Finnish European, 0.0047%; no homozygotes.

Submission:

Ambry Genetics
Classification: Uncertain significance for Inborn genetic diseases. Last evaluated: 2020-10-30. Review status: criteria provided, single submitter. Criteria: Ambry Variant Classification Scheme 2023. Collection method: clinical testing. Allele origin: germline.
Comment: The c.563G>C (p.G188A) alteration is located in exon 4 (coding exon 4) of the MAPK8IP3 gene. This alteration results from a G to C substitution at nucleotide position 563, causing the glycine (G) at amino acid position 188 to be replaced by an alanine (A). Based on data from the Genome Aggregation Database (gnomAD) database, the MAPK8IP3 c.563G>C alteration was observed in 0.003% (7/244826) of total alleles studied. This amino acid position is well conserved in available vertebrate species. The p.G188A alteration is predicted to be tolerated by in silico analysis. Based on insufficient or conflicting evidence, the clinical significance of this alteration remains unclear.